The following is an entry in ClinVar:

NM_058216.3(RAD51C):c.88G>A (p.Ala30Thr)

Gene: RAD51C (RAD51 paralog C; plus strand). Cytogenetic location: 17q22.
Variant type: single nucleotide variant.
Coding change: c.88G>A on transcript NM_058216.3 (MANE Select); coding-DNA position 88, G replaced by A.
Protein change: p.Ala30Thr; replaces alanine 30 with threonine.
Molecular consequence: missense variant. On other transcripts: non-coding transcript variant (1).
Genome position (GRCh38, 1-based): chr17:58,692,731, G>A. VCF-style: chr17-58692731-G-A. GRCh37 (hg19) VCF-style: chr17-56770092-G-A.
Other names: c.88G>A, p.Ala30Thr (NM_002876.4); short protein forms A30T.
Identifiers: ClinVar variation 4149896 (VCV004149896.1).
Genomic context (GRCh38, chr17:58,692,731, plus strand): 5'-ATGCAGCGGGATTTGGTGAGTTTCCCGCTGTCTCCAGCGGTGCGGGTGAAGCTGGTGTCT[G>A]CGGGGTTCCAGACTGCTGAGGAACTCCTAGAGGTGAAACCCTCCGAGCTTAGCAAAGGTA-3'
Protein context (NP_478123.1, residues 20-40): SPAVRVKLVS[Ala30Thr]GFQTAEELLE

ClinVar aggregate classification (germline): Uncertain significance (1 of 4 stars; one submission).

Conditions:
Hereditary cancer-predisposing syndrome. Also called: Hereditary neoplastic syndrome; Neoplastic Syndromes, Hereditary; Tumor predisposition; Hereditary Cancer Syndrome. Identifiers: Orphanet 140162, MedGen C0027672, MeSH D009386, MONDO:0015356.

Submission:

Ambry Genetics
Classification: Uncertain significance for Hereditary cancer-predisposing syndrome. Last evaluated: 2025-08-21. Review status: criteria provided, single submitter. Criteria: Ambry Variant Classification Scheme 2023. Collection method: clinical testing. Allele origin: germline.
Comment: The p.A30T variant (also known as c.88G>A), located in coding exon 1 of the RAD51C gene, results from a G to A substitution at nucleotide position 88. The alanine at codon 30 is replaced by threonine, an amino acid with similar properties. This amino acid position is highly conserved in available vertebrate species. In addition, this alteration is predicted to be tolerated by in silico analysis. Based on the available evidence, the clinical significance of this variant remains unclear.